The following is an entry in ClinVar:

NM_000238.4(KCNH2):c.1433C>A (p.Ala478Asp)

Gene: KCNH2 (potassium voltage-gated channel subfamily H member 2; minus strand). Cytogenetic location: 7q36.1.
Variant type: single nucleotide variant.
Coding change: c.1433C>A on transcript NM_000238.4 (MANE Select); coding-DNA position 1433, C replaced by A.
Protein change: p.Ala478Asp; replaces alanine 478 with aspartic acid.
Molecular consequence: missense variant. On other transcripts: non-coding transcript variant (2).
Genome position (GRCh38, 1-based): chr7:150,952,549, G>T on the plus strand (C>A on the coding strand, the complement: KCNH2 is on the minus strand). VCF-style: chr7-150952549-G-T. GRCh37 (hg19) VCF-style: chr7-150649637-G-T.
Other names: c.413C>A, p.Ala138Asp (NM_001204798.2, NM_172057.3); c.1145C>A, p.Ala382Asp (NM_001406753.1, NM_001406756.1); c.1256C>A, p.Ala419Asp (NM_001406755.1); c.1133C>A, p.Ala378Asp (NM_001406757.1); c.1433C>A, p.Ala478Asp (NM_172056.3); short protein forms A138D, A378D, A382D, A419D, A478D.
Identifiers: ClinVar variation 4758402 (VCV004758402.1).

ClinVar aggregate classification (germline): Uncertain significance (1 of 4 stars; one submission).

Conditions:
Cardiac arrhythmia. Also called: Arrhythmia; Cardiac rhythm disease. Identifiers: MedGen C0003811, MONDO:0007263, HP:0011675.

Submission:

Color Diagnostics, LLC DBA Color Health
Classification: Uncertain significance for Cardiac arrhythmia. Last evaluated: 2025-11-24. Review status: criteria provided, single submitter. Criteria: ACMG Guidelines, 2015. Collection method: clinical testing. Allele origin: germline.
Comment: This missense variant replaces alanine with aspartic acid at codon 478 of the KCNH2 protein. Computational prediction is inconclusive regarding the impact of this variant on protein structure and function. To our knowledge, functional studies have not been reported for this variant. This variant has not been reported in individuals affected with KCNH2-related disorders in the literature. This variant has been identified in 1/251474 chromosomes in the general population by the Genome Aggregation Database (gnomAD). The available evidence is insufficient to determine the role of this variant in disease conclusively. Therefore, this variant is classified as a Variant of Uncertain Significance.